The following is an entry in ClinVar:

NM_006269.2(RP1):c.5731T>A (p.Tyr1911Asn)

Genes: RP1 (RP1 axonemal microtubule associated; plus strand), LOC126860392 (CDK7 strongly-dependent group 2 enhancer GRCh37_chr8:55541319-55542518; plus strand). Cytogenetic location: 8q12.1.
Variant type: single nucleotide variant.
Coding change: c.5731T>A on transcript NM_006269.2 (MANE Select); coding-DNA position 5731, T replaced by A.
Protein change: p.Tyr1911Asn; replaces tyrosine 1911 with asparagine.
Molecular consequence: missense variant. On other transcripts: intron variant (1).
Genome position (GRCh38, 1-based): chr8:54,629,613, T>A. VCF-style: chr8-54629613-T-A. GRCh37 (hg19) VCF-style: chr8-55542173-T-A.
Other names: c.787+7325T>A (NM_001375654.1); short protein forms Y1911N.
Identifiers: ClinVar variation 970893 (VCV000970893.10), dbSNP rs995598864, ClinGen allele CA177183992.

ClinVar aggregate classification (germline): Uncertain significance (1 of 4 stars; one submission).

Allele frequency attached by ClinVar (database versions not stated): gnomAD 0.00001; TOPMed 0.00001.
gnomAD v4.1: 68 of 1,613,894 alleles (0.0042%); highest among the groups gnomAD compares: Non-Finnish European, 0.0055%; no homozygotes.

Submission:

Labcorp Genetics (formerly Invitae), Labcorp
Classification: Uncertain significance. Last evaluated: 2024-11-05. Review status: criteria provided, single submitter. Criteria: Invitae Variant Classification Sherloc (09022015). Collection method: clinical testing. Allele origin: germline.
Comment: This sequence change replaces tyrosine, which is neutral and polar, with asparagine, which is neutral and polar, at codon 1911 of the RP1 protein (p.Tyr1911Asn). The frequency data for this variant in the population databases is considered unreliable, as metrics indicate poor data quality at this position in the gnomAD database. This variant has not been reported in the literature in individuals affected with RP1-related conditions. ClinVar contains an entry for this variant (Variation ID: 970893). An algorithm developed to predict the effect of missense changes on protein structure and function (PolyPhen-2) suggests that this variant is likely to be disruptive. In summary, the available evidence is currently insufficient to determine the role of this variant in disease. Therefore, it has been classified as a Variant of Uncertain Significance.